The following is an entry in ClinVar:

ClinVar aggregate classification (germline): Likely benign (1 of 4 stars; one submission).

gnomAD v4.1: 1 of 1,610,474 alleles (0.000062%); highest among the groups gnomAD compares: African/African-American, 0.0013%; no homozygotes.

Submissions (2):

Women's Health and Genetics/Laboratory Corporation of America, LabCorp
Classification: Likely benign. Last evaluated: 2026-06-03. Review status: criteria provided, single submitter. Criteria: LabCorp Variant Classification Summary - May 2015. Collection method: clinical testing. Allele origin: germline.
Comment: Variant summary: MAP2K2 c.304-12C>G alters a nucleotide located at a position not widely known to affect splicing. Consensus agreement among computation tools predict no significant impact on normal splicing. However, these predictions have yet to be confirmed by functional studies. The variant allele was found at a frequency of 4e-06 in 248178 control chromosomes. The available data on variant occurrences in the general population are insufficient to allow any conclusion about variant significance. To our knowledge, no occurrence of c.304-12C>G in individuals affected with MAP2K2-related conditions and no experimental evidence demonstrating its impact on protein function have been reported. No submitters have cited clinical-significance assessments for this variant to ClinVar. Based on the evidence outlined above, the variant was classified as likely benign.

Dr. Peter K. Rogan Lab, Western University
No classification provided (evidence only). Condition: Familial cancer of breast. Review status: no classification provided. Collection method: in vitro. Allele origin: not applicable. Functional consequence: retained intron. Not counted in ClinVar's aggregate classification.

NM_030662.4(MAP2K2):c.304-12C>G

Gene: MAP2K2 (mitogen-activated protein kinase kinase 2; minus strand). Cytogenetic location: 19p13.3.
Variant type: single nucleotide variant.
Coding change: c.304-12C>G on transcript NM_030662.4 (MANE Select); 12 bases into the intron before coding-DNA position 304, C replaced by G.
Molecular consequence: intron variant.
Genome position (GRCh38, 1-based): chr19:4,110,667, G>C on the plus strand (C>G on the coding strand, the complement: MAP2K2 is on the minus strand). VCF-style: chr19-4110667-G-C. GRCh37 (hg19) VCF-style: chr19-4110665-G-C.
Other names: NC_000019.9:g.4110665G>C; c.304-12C>G (NM_001440688.1).
Identifiers: ClinVar variation 4440317 (VCV004440317.2).
Genomic context (GRCh38, chr19:4,110,667, plus strand): 5'-CGCGGATGATCTGGTTCCGGATGGCCGGCTTGATCTCAAGGTGGATCAGCTGCAAGGGGA[G>C]AGGGGCGAGACTGGCTTGGGGGGTGCCCGAAAACGGGATGAAGGCATTTGGGGCCTCTGC-3'